The following is an entry in ClinVar:

ClinVar aggregate classification (germline): Uncertain significance (1 of 4 stars; one submission).

Submission:

GeneDx
Classification: Uncertain significance. Last evaluated: 2024-09-25. Review status: criteria provided, single submitter. Criteria: GeneDx Variant Classification Process June 2021. Collection method: clinical testing. Allele origin: germline. Affected: yes.
Comment: Not observed at significant frequency in large population cohorts (gnomAD); In silico analysis supports that this missense variant has a deleterious effect on protein structure/function; Has not been previously published as pathogenic or benign to our knowledge

NM_021072.4(HCN1):c.374A>G (p.Glu125Gly)

Gene: HCN1 (hyperpolarization activated cyclic nucleotide gated potassium channel 1; minus strand). Cytogenetic location: 5p12.
Variant type: single nucleotide variant.
Coding change: c.374A>G on transcript NM_021072.4 (MANE Select); coding-DNA position 374, A replaced by G.
Protein change: p.Glu125Gly; replaces glutamic acid 125 with glycine.
Molecular consequence: missense variant.
Genome position (GRCh38, 1-based): chr5:45,695,720, T>C on the plus strand (A>G on the coding strand, the complement: HCN1 is on the minus strand). VCF-style: chr5-45695720-T-C. GRCh37 (hg19) VCF-style: chr5-45695822-T-C.
Other names: short protein forms E125G.
Identifiers: ClinVar variation 3774713 (VCV003774713.1).